The following is an entry in ClinVar:

ClinVar aggregate classification (germline): Benign/Likely benign. Review status: criteria provided, multiple submitters, no conflicts (2 of 4 stars). 7 submissions from 7 submitters: Benign (3); Likely benign (4). Last evaluated 2026-02-01.

Conditions:
Cardiovascular phenotype. Identifiers: MedGen CN230736.
Long QT syndrome (LQTS). Identifiers: MedGen C0023976, MeSH D008133, MONDO:0002442. Disease mechanism: loss of function. Inheritance: Various modes of inheritance.
Long QT syndrome 11 (LQT11). Identifiers: Orphanet 101016, Orphanet 768, MedGen C2678483, MONDO:0012738, OMIM 611820.

Allele frequency attached by ClinVar (database versions not stated): gnomAD 0.00217; 1000 Genomes Project 30x 0.00219; 1000 Genomes Project 0.00220; ESP Exome Variant Server 0.00223; TOPMed 0.00294.
gnomAD v4.1: 729 of 1,614,192 alleles (0.045%); highest among the groups gnomAD compares: African/African-American, 0.89%; 1 homozygote.

Submissions (7):

Labcorp Genetics (formerly Invitae), Labcorp
Classification: Benign for Long QT syndrome. Last evaluated: 2026-02-01. Review status: criteria provided, single submitter. Criteria: Invitae Variant Classification Sherloc (09022015). Collection method: clinical testing. Allele origin: germline.

Women's Health and Genetics/Laboratory Corporation of America, LabCorp
Classification: Likely benign. Last evaluated: 2024-10-15. Review status: criteria provided, single submitter. Criteria: LabCorp Variant Classification Summary - May 2015. Collection method: clinical testing. Allele origin: germline.

Blueprint Genetics
Classification: Likely benign. Last evaluated: 2024-06-11. Review status: criteria provided, single submitter. Criteria: ACMG Guidelines, 2015. Collection method: clinical testing. Allele origin: germline.

Genome-Nilou Lab
Classification: Benign for Long QT syndrome 11. Last evaluated: 2021-12-05. Review status: criteria provided, single submitter. Criteria: ACMG Guidelines, 2015. Collection method: clinical testing. Allele origin: germline. Affected: no.

Ambry Genetics
Classification: Likely benign for Cardiovascular phenotype. Last evaluated: 2018-12-19. Review status: criteria provided, single submitter. Criteria: Ambry Variant Classification Scheme 2023. Collection method: clinical testing. Allele origin: germline.

GeneDx
Classification: Likely benign. Last evaluated: 2016-10-17. Review status: criteria provided, single submitter. Criteria: GeneDx Variant Classification (06012015). Collection method: clinical testing. Allele origin: germline. Affected: yes.
Comment: This variant is considered likely benign or benign based on one or more of the following criteria: it is a conservative change, it occurs at a poorly conserved position in the protein, it is predicted to be benign by multiple in silico algorithms, and/or has population frequency not consistent with disease.

Biesecker Lab/Clinical Genomics Section, National Institutes of Health
Classification: Benign. Last evaluated: 2013-06-24. Review status: criteria provided, single submitter. Criteria: Ng et al. (Circ Cardiovasc Genet. 2013). Collection method: research. Allele origin: unknown. Observed: 1 variant allele. Study: ClinSeq.
Comment: The study set was not selected for affection status in relation to any cancer. Pathogenicity categories were based on literature curation. See Pubmed ID:23861362 for details.

Medical sequencing

NM_005751.5(AKAP9):c.11225G>C (p.Arg3742Pro)

Gene: AKAP9 (A-kinase anchoring protein 9; plus strand). Cytogenetic location: 7q21.2.
Variant type: single nucleotide variant.
Coding change: c.11225G>C on transcript NM_005751.5 (MANE Select); coding-DNA position 11225, G replaced by C.
Protein change: p.Arg3742Pro; replaces arginine 3742 with proline.
Molecular consequence: missense variant.
Genome position (GRCh38, 1-based): chr7:92,102,721, G>C. VCF-style: chr7-92102721-G-C. GRCh37 (hg19) VCF-style: chr7-91732035-G-C.
Other names: p.R3742P:CGG>CCG; c.5870G>C, p.Arg1957Pro (NM_001379277.1); c.11201G>C, p.Arg3734Pro (NM_147185.3); short protein forms R3742P, R3734P, R1957P.
Identifiers: ClinVar variation 190497 (VCV000190497.19), dbSNP rs34101758, ClinGen allele CA199870.